The following is an entry in ClinVar:

NM_003079.5(SMARCE1):c.37C>G (p.Pro13Ala)

Gene: SMARCE1 (SWI/SNF related BAF chromatin remodeling complex subunit E1; minus strand). Cytogenetic location: 17q21.2.
Variant type: single nucleotide variant.
Coding change: c.37C>G on transcript NM_003079.5 (MANE Select); coding-DNA position 37, C replaced by G.
Protein change: p.Pro13Ala; replaces proline 13 with alanine.
Molecular consequence: missense variant.
Genome position (GRCh38, 1-based): chr17:40,645,590, G>C on the plus strand (C>G on the coding strand, the complement: SMARCE1 is on the minus strand). VCF-style: chr17-40645590-G-C. GRCh37 (hg19) VCF-style: chr17-38801842-G-C.
Other names: short protein forms P13A.
Identifiers: ClinVar variation 4826350 (VCV004826350.1).

ClinVar aggregate classification (germline): Uncertain significance (1 of 4 stars; one submission).

Conditions:
Hereditary cancer-predisposing syndrome. Also called: Neoplastic Syndromes, Hereditary; Tumor predisposition; Hereditary Cancer Syndrome; Hereditary neoplastic syndrome. Identifiers: Orphanet 140162, MedGen C0027672, MeSH D009386, MONDO:0015356.

Submission:

Ambry Genetics
Classification: Uncertain significance for Hereditary cancer-predisposing syndrome. Last evaluated: 2026-03-04. Review status: criteria provided, single submitter. Criteria: Ambry Variant Classification Scheme 2023. Collection method: clinical testing. Allele origin: germline.
Comment: The p.P13A variant (also known as c.37C>G), located in coding exon 2 of the SMARCE1 gene, results from a C to G substitution at nucleotide position 37. The proline at codon 13 is replaced by alanine, an amino acid with highly similar properties. This amino acid position is conserved. In addition, this alteration is predicted to be tolerated by in silico analysis. Based on the available evidence, the clinical significance of this variant remains unclear.